The following is an entry in ClinVar:

NC_000002.11:g.(?_152499068)_(152499887_?)del

Gene: NEB (nebulin; minus strand). Cytogenetic location: 2q23.3.
Variant type: Deletion.
Identifiers: ClinVar variation 3247258 (VCV003247258.1).

ClinVar aggregate classification (germline): Pathogenic (1 of 4 stars; one submission).

Conditions:
Nemaline myopathy 2 (NEM2). Also called: Nemaline myopathy 2, autosomal recessive. Identifiers: MedGen C1850569, MONDO:0009725, OMIM 256030.

Submission:

Labcorp Genetics (formerly Invitae), Labcorp
Classification: Pathogenic for Nemaline myopathy 2. Last evaluated: 2023-12-22. Review status: criteria provided, single submitter. Criteria: Invitae Variant Classification Sherloc (09022015). Collection method: clinical testing. Allele origin: unknown.
Comment: This variant is a gross deletion of the genomic region encompassing exon(s) 58-60 of the NEB gene. This variant would be expected to be in-frame, preserving the integrity of the reading frame. This variant has not been reported in the literature in individuals affected with NEB-related conditions. This variant disrupts a region of the NEB protein in which other variant(s) (p.Glu2674Lys) have been determined to be pathogenic (Invitae). This suggests that this is a clinically significant region of the protein, and that variants that disrupt it are likely to be disease-causing. For these reasons, this variant has been classified as Pathogenic.